The following is an entry in ClinVar:

NM_015443.4(KANSL1):c.2495C>A (p.Ser832Tyr)

Gene: KANSL1 (KAT8 regulatory NSL complex subunit 1). Cytogenetic location: 17q21.31.
Variant type: single nucleotide variant.
Coding change: c.2495C>A on transcript NM_015443.4 (MANE Select); coding-DNA position 2495, C replaced by A.
Protein change: p.Ser832Tyr; replaces serine 832 with tyrosine.
Molecular consequence: missense variant.
Genome position (GRCh38, 1-based): chr17:46,038,584, G>T on the plus strand (C>A on the coding strand, the complement: KANSL1 is on the minus strand). VCF-style: chr17-46038584-G-T. GRCh37 (hg19) VCF-style: chr17-44115950-G-T.
Other names: c.2495C>A, p.Ser832Tyr (NM_001193465.2, NM_001193466.2, NM_001379198.1 and 8 more transcripts); c.2393C>A, p.Ser798Tyr (NM_001405859.1, NM_001405860.1, NM_001405861.1 and 1 more transcripts); c.2306C>A, p.Ser769Tyr (NM_001405875.1, NM_001405876.1, NM_001405877.1 and 3 more transcripts); c.1229C>A, p.Ser410Tyr (NM_001405882.1, NM_001405883.1); c.1040C>A, p.Ser347Tyr (NM_001405884.1, NM_001405885.1); short protein forms S347Y, S410Y, S769Y, S798Y, S832Y.
Identifiers: ClinVar variation 2502528 (VCV002502528.1), dbSNP rs774750158, ClinGen allele CA8618552.

ClinVar aggregate classification (germline): Uncertain significance (1 of 4 stars; one submission).

Allele frequency attached by ClinVar (database versions not stated): ExAC 0.00001.
gnomAD v4.1: 1 of 1,614,172 alleles (0.000062%); highest among the groups gnomAD compares: Non-Finnish European, 0.000085%; no homozygotes.

Submission:

GeneDx
Classification: Uncertain significance. Last evaluated: 2022-11-21. Review status: criteria provided, single submitter. Criteria: GeneDx Variant Classification Process June 2021. Collection method: clinical testing. Allele origin: germline. Affected: yes.
Comment: In silico analysis supports that this missense variant does not alter protein structure/function; Has not been previously published as pathogenic or benign to our knowledge